The following is an entry in ClinVar:

ClinVar aggregate classification (germline): Uncertain significance (1 of 4 stars; one submission).

Conditions:
Familial adenomatous polyposis 1 (FAP1). Also called: FAMILIAL ADENOMATOUS POLYPOSIS 1, ATTENUATED; POLYPOSIS, ADENOMATOUS INTESTINAL. Identifiers: MedGen C2713442, MONDO:0021056, OMIM 175100. Disease mechanism: loss of function.

Submission:

Labcorp Genetics (formerly Invitae), Labcorp
Classification: Uncertain significance for Familial adenomatous polyposis 1. Last evaluated: 2022-03-23. Review status: criteria provided, single submitter. Criteria: Invitae Variant Classification Sherloc (09022015). Collection method: clinical testing. Allele origin: germline.
Comment: In summary, the available evidence is currently insufficient to determine the role of this variant in disease. Therefore, it has been classified as a Variant of Uncertain Significance. Algorithms developed to predict the effect of missense changes on protein structure and function are either unavailable or do not agree on the potential impact of this missense change (SIFT: "Tolerated"; PolyPhen-2: "Probably Damaging"; Align-GVGD: "Class C0"). This variant has not been reported in the literature in individuals affected with APC-related conditions. This variant is not present in population databases (gnomAD no frequency). This sequence change replaces glutamic acid, which is acidic and polar, with lysine, which is basic and polar, at codon 38 of the APC protein (p.Glu38Lys).

NM_000038.6(APC):c.112G>A (p.Glu38Lys)

Gene: APC (APC regulator of Wnt signaling pathway; plus strand). Cytogenetic location: 5q22.2.
Variant type: single nucleotide variant.
Coding change: c.112G>A on transcript NM_000038.6 (MANE Select); coding-DNA position 112, G replaced by A.
Protein change: p.Glu38Lys; replaces glutamic acid 38 with lysine.
Molecular consequence: missense variant. On other transcripts: 5 prime UTR variant (1), intron variant (8).
Genome position (GRCh38, 1-based): chr5:112,755,002, G>A. VCF-style: chr5-112755002-G-A. GRCh37 (hg19) VCF-style: chr5-112090699-G-A.
Other names: c.112G>A, p.Glu38Lys (NM_001127510.3, NM_001354895.2, NM_001354896.2 and 16 more transcripts); c.-924G>A (NM_001354906.2, NM_001407470.1, NM_001407471.1 and 1 more transcripts); c.166-11324G>A (NM_001354897.2, NM_001354902.2, NM_001127511.3); c.61-11324G>A (NM_001354898.2, NM_001354904.2); c.-42-11324G>A (NM_001354900.2, NM_001354901.2, NM_001354905.2); short protein forms E38K.
Identifiers: ClinVar variation 2189815 (VCV002189815.4), dbSNP rs2149738596, ClinGen allele CA16021584.